The following is an entry in ClinVar:

ClinVar aggregate classification (germline): Uncertain significance (1 of 4 stars; one submission).

Conditions:
Ehlers-Danlos syndrome, type 4 (EDSVASC). Also called: Ehlers-Danlos syndrome vascular type; Ehlers Danlos syndrome, ecchymotic type; Ehlers Danlos syndrome, arterial type; Ehlers Danlos syndrome, Sack-Barabas type; Ehlers-Danlos Syndrome Type IV. Identifiers: Orphanet 286, MedGen C0268338, MONDO:0017314, OMIM 130050.

Submission:

Labcorp Genetics (formerly Invitae), Labcorp
Classification: Uncertain significance for Ehlers-Danlos syndrome, type 4. Last evaluated: 2022-03-31. Review status: criteria provided, single submitter. Criteria: Invitae Variant Classification Sherloc (09022015). Collection method: clinical testing. Allele origin: germline.
Comment: This sequence change replaces glycine, which is neutral and non-polar, with aspartic acid, which is acidic and polar, at codon 112 of the COL3A1 protein (p.Gly112Asp). This variant is not present in population databases (gnomAD no frequency). This variant has not been reported in the literature in individuals affected with COL3A1-related conditions. Algorithms developed to predict the effect of missense changes on protein structure and function are either unavailable or do not agree on the potential impact of this missense change (SIFT: "Deleterious"; PolyPhen-2: "Not Available"; Align-GVGD: "Class C0"). In summary, the available evidence is currently insufficient to determine the role of this variant in disease. Therefore, it has been classified as a Variant of Uncertain Significance.

NM_000090.4(COL3A1):c.335G>A (p.Gly112Asp)

Gene: COL3A1 (collagen type III alpha 1 chain; plus strand). Cytogenetic location: 2q32.2.
Variant type: single nucleotide variant.
Coding change: c.335G>A on transcript NM_000090.4 (MANE Select); coding-DNA position 335, G replaced by A.
Protein change: p.Gly112Asp; replaces glycine 112 with aspartic acid.
Molecular consequence: missense variant.
Genome position (GRCh38, 1-based): chr2:188,985,666, G>A. VCF-style: chr2-188985666-G-A. GRCh37 (hg19) VCF-style: chr2-189850392-G-A.
Other names: short protein forms G112D.
Identifiers: ClinVar variation 2119751 (VCV002119751.4), dbSNP rs2469108191, ClinGen allele CA349847690.